The following is an entry in ClinVar:

NM_001378189.1(CFAP57):c.1929+50G>A

Genes: CFAP57 (cilia and flagella associated protein 57; plus strand), EBNA1BP2 (EBNA1 binding protein 2; minus strand), LOC105378685 (uncharacterized LOC105378685; minus strand). Cytogenetic location: 1p34.2.
Variant type: single nucleotide variant.
Coding change: c.1929+50G>A on transcript NM_001378189.1 (MANE Select); 50 bases into the intron after coding-DNA position 1929, G replaced by A.
Molecular consequence: intron variant. On other transcripts: missense variant (2).
Genome position (GRCh38, 1-based): chr1:43,209,966, G>A. VCF-style: chr1-43209966-G-A. GRCh37 (hg19) VCF-style: chr1-43675637-G-A.
Other names: c.1979G>A, p.Arg660His (NM_001167965.1, NM_152498.3); c.1929+50G>A (NM_001195831.3); short protein forms R660H.
Identifiers: ClinVar variation 2628557 (VCV002628557.2), dbSNP rs184767321, ClinGen allele CA804820.

ClinVar aggregate classification (germline): Conflicting classifications of pathogenicity. Review status: criteria provided, conflicting classifications (1 of 4 stars). 2 submissions from 2 submitters: Uncertain significance (1); Likely benign (1). Last evaluated 2025-08-04.

Conditions:
CFAP57-related disorder. Also called: CFAP57-related condition.

Allele frequency attached by ClinVar (database versions not stated): gnomAD exomes 0.00002; gnomAD 0.00005; ExAC 0.00007; 1000 Genomes Project 0.00060; 1000 Genomes Project 30x 0.00062.
gnomAD v4.1: 35 of 1,613,484 alleles (0.0022%); highest among the groups gnomAD compares: East Asian, 0.027%; no homozygotes.

Submissions (2):

Ambry Genetics
Classification: Likely benign. Last evaluated: 2025-08-04. Review status: criteria provided, single submitter. Criteria: Ambry Variant Classification Scheme 2023. Collection method: clinical testing. Allele origin: germline.

PreventionGenetics, part of Exact Sciences
Classification: Uncertain significance for CFAP57-related condition. Last evaluated: 2023-04-19. Review status: criteria provided, single submitter. Criteria: ACMG Guidelines, 2015. Collection method: clinical testing. Allele origin: germline.
Comment: The CFAP57 c.1979G>A variant is predicted to result in the amino acid substitution p.Arg660His. To our knowledge, this variant has not been reported in the literature. This variant is reported in 0.065% of alleles in individuals of East Asian descent in gnomAD. At this time, the clinical significance of this variant is uncertain due to the absence of conclusive functional and genetic evidence.